The following is an entry in ClinVar:

ClinVar aggregate classification (germline): Uncertain significance. Review status: criteria provided, multiple submitters, no conflicts (2 of 4 stars). 5 submissions from 5 submitters: Uncertain significance (3). 2 of the submissions do not count toward it. Last evaluated 2025-11-20.

Conditions:
NPHP3-related disorder. Also called: NPHP3-related disorders; NPHP3-related condition. Identifiers: MedGen CN379163.
Inborn genetic diseases. Identifiers: MedGen C0950123, MeSH D030342.
Nephronophthisis. Also called: Juvenile Nephronophthisis. Identifiers: Orphanet 655, MedGen C0687120, MONDO:0019005, HP:0000090.
NPHP3-related Meckel-like syndrome. Also called: GOLDSTON SYNDROME; Meckel syndrome type 7. Identifiers: Orphanet 3032, MedGen C2673885, MONDO:0009966, OMIM 267010.
Renal-hepatic-pancreatic dysplasia 1 (RHPD1). Identifiers: MedGen C3715199, MONDO:0008833, OMIM 208540.
Nephronophthisis 3 (NPHP3). Also called: Adolescent nephronophthisis. Identifiers: Orphanet 655, MedGen C1858392, MONDO:0011456, OMIM 604387.

Allele frequency attached by ClinVar (database versions not stated): gnomAD exomes 0.00001 and 0.00002; ExAC 0.00003; gnomAD 0.00007 and 0.00008; ESP Exome Variant Server 0.00008; TOPMed 0.00008.
gnomAD v4.1: 29 of 1,613,956 alleles (0.0018%); highest among the groups gnomAD compares: African/African-American, 0.015%; no homozygotes.

Submissions (5):

Ambry Genetics
Classification: Uncertain significance for Inborn genetic diseases. Last evaluated: 2025-11-20. Review status: criteria provided, single submitter. Criteria: Ambry Variant Classification Scheme 2023. Collection method: clinical testing. Allele origin: germline.

Fulgent Genetics
Classification: Uncertain significance for Renal-hepatic-pancreatic dysplasia 1; NPHP3-related Meckel-like syndrome; Nephronophthisis 3. Last evaluated: 2024-03-14. Review status: criteria provided, single submitter. Criteria: ACMG Guidelines, 2015. Collection method: clinical testing. Allele origin: germline.

Labcorp Genetics (formerly Invitae), Labcorp
Classification: Uncertain significance for Nephronophthisis. Last evaluated: 2023-11-27. Review status: criteria provided, single submitter. Criteria: Invitae Variant Classification Sherloc (09022015). Collection method: clinical testing. Allele origin: germline.
Comment: This sequence change replaces glycine, which is neutral and non-polar, with arginine, which is basic and polar, at codon 235 of the NPHP3 protein (p.Gly235Arg). This variant is present in population databases (rs368570508, gnomAD 0.02%). This missense change has been observed in individual(s) with nephronophthisis (PMID: 30586318). ClinVar contains an entry for this variant (Variation ID: 562444). Advanced modeling of protein sequence and biophysical properties (such as structural, functional, and spatial information, amino acid conservation, physicochemical variation, residue mobility, and thermodynamic stability) performed at Invitae indicates that this missense variant is not expected to disrupt NPHP3 protein function with a negative predictive value of 80%. In summary, the available evidence is currently insufficient to determine the role of this variant in disease. Therefore, it has been classified as a Variant of Uncertain Significance.

PreventionGenetics, part of Exact Sciences
Classification: Uncertain significance for NPHP3-related condition. Last evaluated: 2024-03-21. Review status: no assertion criteria provided. Collection method: clinical testing. Allele origin: germline. Not counted in ClinVar's aggregate classification.
Comment: The NPHP3 c.703G>A variant is predicted to result in the amino acid substitution p.Gly235Arg. This variant in the homozygous condition was reported in an individual with Nephronophthisis 3, who also carried a hemizygous variant in COL4A5 (Table S7, Groopman et al. 2019. PubMed ID: 30586318). This variant is reported in 0.016% of alleles in individuals of African descent in gnomAD. Although we suspect that this variant may be pathogenic, at this time, the clinical significance of this variant is uncertain due to the absence of conclusive functional and genetic evidence.

Gharavi Laboratory, Columbia University
Classification: Likely pathogenic. Last evaluated: 2018-09-16. Review status: no assertion criteria provided. Criteria: ACMG Guidelines, 2015. Collection method: research. Allele origin: germline. Affected: yes. Not counted in ClinVar's aggregate classification.

Literature cited by the submitters: PubMed 30586318 (cited by Labcorp Genetics (formerly Invitae), Labcorp).

NM_153240.5(NPHP3):c.703G>A (p.Gly235Arg)

Genes: NPHP3 (nephrocystin 3; minus strand), NPHP3-ACAD11 (NPHP3-ACAD11 readthrough (NMD candidate); minus strand). Cytogenetic location: 3q22.1.
Variant type: single nucleotide variant.
Coding change: c.703G>A on transcript NM_153240.5 (MANE Select); coding-DNA position 703, G replaced by A.
Protein change: p.Gly235Arg; replaces glycine 235 with arginine.
Molecular consequence: missense variant. On other transcripts: non-coding transcript variant (1).
Genome position (GRCh38, 1-based): chr3:132,716,877, C>T on the plus strand (G>A on the coding strand, the complement: NPHP3 is on the minus strand). VCF-style: chr3-132716877-C-T. GRCh37 (hg19) VCF-style: chr3-132435721-C-T.
Other names: c.703G>A (NM_153240.4); short protein forms G235R.
Identifiers: ClinVar variation 562444 (VCV000562444.12), dbSNP rs368570508, ClinGen allele CA2622512.